The following is an entry in ClinVar:

NM_001395656.1(ROBO2):c.*1061C>T

Gene: ROBO2 (roundabout guidance receptor 2; plus strand). Cytogenetic location: 3p12.3.
Variant type: single nucleotide variant.
Coding change: c.*1061C>T on transcript NM_001395656.1 (MANE Select); 1061 bases downstream of the stop codon, C replaced by T.
Molecular consequence: 3 prime UTR variant.
Genome position (GRCh38, 1-based): chr3:77,647,116, C>T. VCF-style: chr3-77647116-C-T. GRCh37 (hg19) VCF-style: chr3-77696267-C-T.
Other names: c.*1061C>T (NM_001128929.3, NM_001290039.2, NM_001290040.2 and 14 more transcripts); c.*1058C>T (NM_001378194.1, NM_001378196.1, NM_001378199.1 and 3 more transcripts).
Identifiers: ClinVar variation 346729 (VCV000346729.6), dbSNP rs186113368, ClinGen allele CA10616694.
Genomic context (GRCh38, chr3:77,647,116, plus strand): 5'-TAGAATATCTAGCAAATAGTTAAAGAAGCAATTTATTATTAGGGCATACTCGGGCTGTTT[C>T]CAAATATAAACTCTATTGCAATATCTTATTTCATCTTTCTAATACATGTACAGTGCACAC-3'

ClinVar aggregate classification (germline): Benign (1 of 4 stars; one submission).

Conditions:
Vesicoureteral reflux 2 (VUR2). Identifiers: Orphanet 289365, MedGen C1970483, MONDO:0012573, OMIM 610878.

Allele frequency attached by ClinVar (database versions not stated): 1000 Genomes Project 30x 0.00172; 1000 Genomes Project 0.00200; TOPMed 0.00272; gnomAD 0.00324 and 0.00332; gnomAD exomes 0.01168.
gnomAD v4.1: 499 of 152,594 alleles (0.33%); highest among the groups gnomAD compares: Middle Eastern, 1%; 2 homozygotes.

Submission:

Illumina Laboratory Services, Illumina
Classification: Benign for Vesicoureteral reflux 2. Last evaluated: 2018-01-12. Review status: criteria provided, single submitter. Criteria: ICSL Variant Classification Criteria 13 December 2019. Collection method: clinical testing. Allele origin: germline.
Comment: This variant was observed in the ICSL laboratory as part of a predisposition screen in an ostensibly healthy population. It had not been previously curated by ICSL or reported in the Human Gene Mutation Database (HGMD: prior to June 1st, 2018), and was therefore a candidate for classification through an automated scoring system. Utilizing variant allele frequency, disease prevalence and penetrance estimates, and inheritance mode, an automated score was calculated to assess if this variant is too frequent to cause the disease. Based on the score and internal cut-off values, a variant classified as benign is not then subjected to further curation. The score for this variant resulted in a classification of benign for this disease.